The following is an entry in ClinVar:

ClinVar aggregate classification (germline): Benign (1 of 4 stars; one submission).

Conditions:
Juvenile polyposis syndrome (JPS). Identifiers: Orphanet 2929, MedGen C0345893, MONDO:0017380, OMIM 174900.

Submission:

Myriad Genetics, Inc.
Classification: Benign for Juvenile polyposis syndrome. Last evaluated: 2024-08-05. Review status: criteria provided, single submitter. Criteria: Myriad Autosomal Dominant, Autosomal Recessive and X-Linked Classification Criteria (2023). Collection method: clinical testing. Allele origin: unknown.
Comment: This variant is considered benign. This variant is a silent/synonymous amino acid change and it is not expected to impact splicing.

NM_004329.3(BMPR1A):c.900T>G (p.Gly300=)

Gene: BMPR1A (bone morphogenetic protein receptor type 1A; plus strand). Cytogenetic location: 10q23.2.
Variant type: single nucleotide variant.
Coding change: c.900T>G on transcript NM_004329.3 (MANE Select); coding-DNA position 900, T replaced by G.
Protein change: p.Gly300=; no amino-acid change (glycine 300 retained).
Molecular consequence: synonymous variant. On other transcripts: non-coding transcript variant (3).
Genome position (GRCh38, 1-based): chr10:86,919,203, T>G. VCF-style: chr10-86919203-T-G. GRCh37 (hg19) VCF-style: chr10-88678960-T-G.
Other names: c.975T>G, p.Gly325= (NM_001406559.1); c.948T>G, p.Gly316= (NM_001406560.1); c.900T>G, p.Gly300= (NM_001406561.1, NM_001406562.1, NM_001406563.1 and 19 more transcripts); c.894T>G, p.Gly298= (NM_001406583.1); c.816T>G, p.Gly272= (NM_001406584.1, NM_001406585.1, NM_001406586.1 and 2 more transcripts); c.558T>G, p.Gly186= (NM_001406589.1).
Identifiers: ClinVar variation 3378500 (VCV003378500.1).